The following is an entry in ClinVar:

NM_005477.3(HCN4):c.47C>T (p.Pro16Leu)

Gene: HCN4 (hyperpolarization activated cyclic nucleotide gated potassium channel 4; minus strand). Cytogenetic location: 15q24.1.
Variant type: single nucleotide variant.
Coding change: c.47C>T on transcript NM_005477.3 (MANE Select); coding-DNA position 47, C replaced by T.
Protein change: p.Pro16Leu; replaces proline 16 with leucine.
Molecular consequence: missense variant.
Genome position (GRCh38, 1-based): chr15:73,368,224, G>A on the plus strand (C>T on the coding strand, the complement: HCN4 is on the minus strand). VCF-style: chr15-73368224-G-A. GRCh37 (hg19) VCF-style: chr15-73660565-G-A.
Other names: short protein forms P16L.
Identifiers: ClinVar variation 936170 (VCV000936170.11), dbSNP rs2043139529, ClinGen allele CA393099199.

ClinVar aggregate classification (germline): Uncertain significance. Review status: criteria provided, multiple submitters, no conflicts (2 of 4 stars). 2 submissions from 2 submitters: Uncertain significance (2). Last evaluated 2023-10-13.

Conditions:
Cardiovascular phenotype. Identifiers: MedGen CN230736.
Brugada syndrome 8 (BRGDA8). Identifiers: Orphanet 130, MedGen C2751083, MONDO:0013148, OMIM 613123.

Allele frequency attached by ClinVar (database versions not stated): gnomAD exomes below 0.00001.
gnomAD v4.1: 1 of 1,527,104 alleles (0.000065%); highest among the groups gnomAD compares: Non-Finnish European, 0.000088%; no homozygotes.

Submissions (2):

Labcorp Genetics (formerly Invitae), Labcorp
Classification: Uncertain significance for Brugada syndrome 8. Last evaluated: 2023-10-13. Review status: criteria provided, single submitter. Criteria: Invitae Variant Classification Sherloc (09022015). Collection method: clinical testing. Allele origin: germline.
Comment: This sequence change replaces proline, which is neutral and non-polar, with leucine, which is neutral and non-polar, at codon 16 of the HCN4 protein (p.Pro16Leu). This variant is not present in population databases (gnomAD no frequency). This variant has not been reported in the literature in individuals affected with HCN4-related conditions. ClinVar contains an entry for this variant (Variation ID: 936170). Advanced modeling of protein sequence and biophysical properties (such as structural, functional, and spatial information, amino acid conservation, physicochemical variation, residue mobility, and thermodynamic stability) performed at Invitae indicates that this missense variant is not expected to disrupt HCN4 protein function. In summary, the available evidence is currently insufficient to determine the role of this variant in disease. Therefore, it has been classified as a Variant of Uncertain Significance.

Ambry Genetics
Classification: Uncertain significance for Cardiovascular phenotype. Last evaluated: 2018-12-31. Review status: criteria provided, single submitter. Criteria: Ambry Variant Classification Scheme 2023. Collection method: clinical testing. Allele origin: germline.
Comment: The p.P16L variant (also known as c.47C>T), located in coding exon 1 of the HCN4 gene, results from a C to T substitution at nucleotide position 47. The proline at codon 16 is replaced by leucine, an amino acid with similar properties. This amino acid position is highly conserved in available vertebrate species. In addition, this alteration is predicted to be deleterious by in silico analysis. Since supporting evidence is limited at this time, the clinical significance of this alteration remains unclear.